The following is an entry in ClinVar:

NM_001723.7(DST):c.7064C>G (p.Ala2355Gly)

Gene: DST (dystonin; minus strand). Cytogenetic location: 6p12.1.
Variant type: single nucleotide variant.
Coding change: c.7064C>G on transcript NM_001723.7 (MANE Plus Clinical); coding-DNA position 7064, C replaced by G.
Protein change: p.Ala2355Gly; replaces alanine 2355 with glycine.
Molecular consequence: missense variant. On other transcripts: intron variant (10).
Genome position (GRCh38, 1-based): chr6:56,616,403, G>C on the plus strand (C>G on the coding strand, the complement: DST is on the minus strand). VCF-style: chr6-56616403-G-C. GRCh37 (hg19) VCF-style: chr6-56481201-G-C.
Other names: c.4831-1919C>G (NM_001144769.5); c.4930-1919C>G (NM_001374722.1, NM_001374736.1); c.4957-1919C>G (NM_001374734.1); c.4417-1919C>G (NM_001144770.2); c.4297-1919C>G (NM_001374730.1, NM_001386100.1, NM_183380.4 and 1 more transcripts); c.3319-1919C>G (NM_015548.5); short protein forms A2355G.
Identifiers: ClinVar variation 1406809 (VCV001406809.4), dbSNP rs766318484, ClinGen allele CA3870031.

ClinVar aggregate classification (germline): Uncertain significance (1 of 4 stars; one submission).

Conditions:
Epidermolysis bullosa simplex 3, localized or generalized intermediate, with BP230 deficiency (EBS3). Also called: Epidermolysis bullosa simplex, autosomal recessive 2; Epidermolysis bullosa simplex due to BP230 deficiency. Identifiers: Orphanet 412181, MedGen C3809470, MONDO:0014180, OMIM 615425.
Hereditary sensory and autonomic neuropathy type 6. Also called: HSAN VI; Neuropathy, hereditary sensory and autonomic, type VI. Identifiers: Orphanet 314381, MedGen C3539003, MONDO:0013839, OMIM 614653.

Allele frequency attached by ClinVar (database versions not stated): gnomAD exomes below 0.00001; ExAC 0.00001.
gnomAD v4.1: 6 of 1,613,904 alleles (0.00037%); highest among the groups gnomAD compares: Middle Eastern, 0.016%; no homozygotes.

Submission:

Labcorp Genetics (formerly Invitae), Labcorp
Classification: Uncertain significance for Epidermolysis bullosa simplex 3, localized or generalized intermediate, with BP230 deficiency; Hereditary sensory and autonomic neuropathy type 6. Last evaluated: 2022-01-28. Review status: criteria provided, single submitter. Criteria: Invitae Variant Classification Sherloc (09022015). Collection method: clinical testing. Allele origin: germline.
Comment: In summary, the available evidence is currently insufficient to determine the role of this variant in disease. Therefore, it has been classified as a Variant of Uncertain Significance. Algorithms developed to predict the effect of missense changes on protein structure and function are either unavailable or do not agree on the potential impact of this missense change (SIFT: "Tolerated"; PolyPhen-2: "Probably Damaging"; Align-GVGD: "Class C0"). This variant has not been reported in the literature in individuals affected with DST-related conditions. This variant is present in population databases (rs766318484, gnomAD 0.003%). This sequence change replaces alanine, which is neutral and non-polar, with glycine, which is neutral and non-polar, at codon 2355 of the DST protein (p.Ala2355Gly).